The following is an entry in ClinVar:

NM_004990.4(MARS1):c.712dup (p.Thr238fs)

Gene: MARS1 (methionyl-tRNA synthetase 1; plus strand). Cytogenetic location: 12q13.3.
Variant type: Duplication.
Coding change: c.712dup on transcript NM_004990.4 (MANE Select); coding-DNA position 712, one base duplicated (A; older notation c.712dupA).
Protein change: p.Thr238fs; shifts the reading frame from threonine 238.
Molecular consequence: frameshift variant.
Genome position (GRCh38, 1-based): chr12:57,490,586, A duplicated. VCF-style (leftmost placement, unchanged base first): chr12-57490585-T-TA. GRCh37 (hg19) VCF-style: chr12-57884368-T-TA.
Other names: short protein forms T238fs.
Identifiers: ClinVar variation 2949320 (VCV002949320.3), dbSNP rs2540262258, ClinGen allele CA2740092403.
Genomic context (GRCh38, chr12:57,490,585, plus strand): 5'-CCACTCTTTATAGGAGGAGGAGCTGGCTACCCTATCTGAGGAGGAGATTGCTATGGCTGT[T>TA]ACTGCTTGGGAGAAGGGCCTAGAAAGTTTGCCCCCGCTGCGGCCCCAGCAGAATCCAGTG-3'

ClinVar aggregate classification (germline): Uncertain significance (1 of 4 stars; one submission).

Conditions:
Severe early-onset pulmonary alveolar proteinosis due to MARS deficiency. Also called: PULMONARY ALVEOLAR PROTEINOSIS, REUNION ISLAND; Interstitial lung and liver disease. Identifiers: Orphanet 440427, MedGen C4225400, MONDO:0014206, OMIM 615486.
Charcot-Marie-Tooth disease axonal type 2U. Also called: CHARCOT-MARIE-TOOTH NEUROPATHY, TYPE 2U; CHARCOT-MARIE-TOOTH DISEASE, AXONAL, AUTOSOMAL DOMINANT, TYPE 2U. Identifiers: Orphanet 397735, MedGen C4084821, MONDO:0014566, OMIM 616280.

Submission:

Labcorp Genetics (formerly Invitae), Labcorp
Classification: Uncertain significance for Charcot-Marie-Tooth disease axonal type 2U; Severe early-onset pulmonary alveolar proteinosis due to MARS deficiency. Last evaluated: 2023-07-10. Review status: criteria provided, single submitter. Criteria: Invitae Variant Classification Sherloc (09022015). Collection method: clinical testing. Allele origin: germline.
Comment: This sequence change creates a premature translational stop signal (p.Thr238Asnfs*76) in the MARS gene. It is expected to result in an absent or disrupted protein product. However, the current clinical and genetic evidence is not sufficient to establish whether loss-of-function variants in MARS cause disease. This variant is not present in population databases (gnomAD no frequency). This variant has not been reported in the literature in individuals affected with MARS-related conditions. In summary, the available evidence is currently insufficient to determine the role of this variant in disease. Therefore, it has been classified as a Variant of Uncertain Significance.